The following is an entry in ClinVar:

ClinVar aggregate classification (germline): Likely pathogenic (1 of 4 stars; one submission).

Submission:

Labcorp Genetics (formerly Invitae), Labcorp
Classification: Likely pathogenic. Last evaluated: 2025-01-16. Review status: criteria provided, single submitter. Criteria: Invitae Variant Classification Sherloc (09022015). Collection method: clinical testing. Allele origin: germline.
Comment: This sequence change affects an acceptor splice site in intron 5 of the KIF11 gene. It is expected to disrupt RNA splicing. Variants that disrupt the donor or acceptor splice site typically lead to a loss of protein function (PMID: 16199547), and loss-of-function variants in KIF11 are known to be pathogenic (PMID: 22284827, 24281367). This variant is not present in population databases (gnomAD no frequency). This variant has not been reported in the literature in individuals affected with KIF11-related conditions. Algorithms developed to predict the effect of sequence changes on RNA splicing suggest that this variant may disrupt the consensus splice site. In summary, the currently available evidence indicates that the variant is pathogenic, but additional data are needed to prove that conclusively. Therefore, this variant has been classified as Likely Pathogenic.

Literature cited by the submitters: PubMed 16199547; PubMed 22284827; PubMed 24281367.

NM_004523.4(KIF11):c.574-1G>A

Gene: KIF11 (kinesin family member 11; plus strand). Cytogenetic location: 10q23.33.
Variant type: single nucleotide variant.
Coding change: c.574-1G>A on transcript NM_004523.4 (MANE Select); the canonical splice acceptor site of the intron before coding-DNA position 574, G replaced by A.
Molecular consequence: splice acceptor variant.
Genome position (GRCh38, 1-based): chr10:92,609,384, G>A. VCF-style: chr10-92609384-G-A. GRCh37 (hg19) VCF-style: chr10-94369141-G-A.
Identifiers: ClinVar variation 3729080 (VCV003729080.2).
Genomic context (GRCh38, chr10:92,609,384, plus strand): 5'-GTGTGTGTGTGTGTGTGTGTTTTAACCAATCTAATGGATGTTCTTTTGGTATTTTGGTCA[G>A]AGAGGAGTGATAATTAAAGGTTTAGAAGAAATTACAGTACACAACAAGGATGAAGTCTAT-3'